The following is an entry in ClinVar:

NM_000488.4(SERPINC1):c.1157T>C (p.Ile386Thr)

Gene: SERPINC1 (serpin family C member 1; minus strand). Cytogenetic location: 1q25.1.
Variant type: single nucleotide variant.
Coding change: c.1157T>C on transcript NM_000488.4 (MANE Select); coding-DNA position 1157, T replaced by C.
Protein change: p.Ile386Thr; replaces isoleucine 386 with threonine.
Molecular consequence: missense variant.
Genome position (GRCh38, 1-based): chr1:173,907,511, A>G on the plus strand (T>C on the coding strand, the complement: SERPINC1 is on the minus strand). VCF-style: chr1-173907511-A-G. GRCh37 (hg19) VCF-style: chr1-173876649-A-G.
Other names: NM_000488.4(SERPINC1):c.1157T>C; p.Ile386Thr; c.1013T>C, p.Ile338Thr (NM_001365052.2); c.1280T>C, p.Ile427Thr (NM_001386302.1); c.1238T>C, p.Ile413Thr (NM_001386303.1); c.1136T>C, p.Ile379Thr (NM_001386304.1); c.1100T>C, p.Ile367Thr (NM_001386305.1); c.941T>C, p.Ile314Thr (NM_001386306.1); short protein forms I338T, I386T, I314T, I367T, I379T, I413T, I427T.
Identifiers: ClinVar variation 863657 (VCV000863657.12), dbSNP rs1449772752, ClinGen allele CA343772853.

ClinVar aggregate classification (germline): Pathogenic. Review status: reviewed by expert panel (3 of 4 stars). 5 submissions from 5 submitters: Pathogenic (1). 4 of the submissions do not count toward it. Last evaluated 2024-05-09.

Conditions:
Hereditary antithrombin deficiency (AT3D). Also called: Thrombophilia due to antithrombin III deficiency; Reduced antithrombin III activity; Antithrombin deficiency; Antithrombin III deficiency. Identifiers: Orphanet 82, MedGen C0272375, MONDO:0013144, OMIM 613118, HP:0001976.

Allele frequency attached by ClinVar (database versions not stated): gnomAD exomes below 0.00001; TOPMed below 0.00001.
gnomAD v4.1: 1 of 1,613,692 alleles (0.000062%); highest among the groups gnomAD compares: Non-Finnish European, 0.000085%; no homozygotes.

Submissions (5):

Clingen Thrombosis Variant Curation Expert Panel, ClinGen
Classification: Pathogenic for Hereditary antithrombin deficiency. Last evaluated: 2024-05-09. Review status: reviewed by expert panel. Criteria: ClinGen ACMG Specifications SERPINC1 V1.0.0. Collection method: curation. Allele origin: germline.
Comment: The c.1157T>C (NM_000488.3) variant in SERPINC1 is a missense variant predicted to cause substitution of isoleucine by threonine at amino acid 386 (p.Ile386Thr). This variants alters a conserved residue among the serpin superfamily located in the loop connecting two secondary structures (helix I with strand s5A). There is one allele present in gnomAD (NFE population) in v2.1.1 with a Popmax MAF <0.00002, which meets criteria for PM2_Supporting. The computational predictor REVEL gives a score of 0.752, which is above the threshold of >0.6 and provides evidence that correlates with impact to SERPINC1 function, meeting criteria for PP3. This variant has been reported in at least 20 probands meeting an antithrombin activity level of <0.8 IU/mL and several more are reported in the literature (PS4_Very Strong >8 points proband count per Thrombosis VCEP guidelines). In addition, there is evidence to support this is a Founder variant in the Polish population (Weronska et al., 2023 PMID: 37021543) with a common haplotype defined by six additional SNVs. In addition, p.Ile386Thr causes an aberrant AT with slower electrophoretic mobility was observed in native Western blot gels, in comparison to three non-carriers. There is also evidence of increased clot lysis time in carriers of p.Ile386Thr with Type I deficiency (137 mins) when compared to healthy controls (~95 mins) suggesting a prothrombotic fibrin clot phenotype. Of note, crossed immunoelectrophoresis confirmed the mild type I deficiency without increased levels of forms with low heparin affinity (such as those seen in p.Arg79His). Finally, seven individuals from four families with mean AT heparin cofactor activity (COF) of 59% and AT antigen levels of 65% were reported in a French Cohort (Alhenc-Gelas et al., 2017; PMID: 28300866). Conservatively, we are counting three meiosis for application of PP1 in the absence of detailed pedigrees. In summary, based on the evidence available at this time, this is a pathogenic variant. ACMG/AMP criteria applied, as specified by the Thrombosis Variant Curation Expert Panel Guidelines (Version 1.0.0) for AT Deficiency for SERPINC1 are PS4_VeryStrong, PM2_supporting, PP1, PP3 and PP4.

GeneDx
Classification: Likely pathogenic. Last evaluated: 2026-10-09. Review status: criteria provided, single submitter. Criteria: GeneDx Variant Classification Process June 2021. Collection method: clinical testing. Allele origin: germline. Not counted in ClinVar's aggregate classification.
Comment: Not observed at significant frequency in large population cohorts (gnomAD); In silico analysis supports that this missense variant has a deleterious effect on protein structure/function; This variant is associated with the following publications: (PMID: 28607330, 34800304, 33367661, 27283015, 37201530, 29153735, 34851072, 31157679, 20088933, 28300866, 21264449, 37021543, 41862219, 41861498)

Labcorp Genetics (formerly Invitae), Labcorp
Classification: Likely pathogenic for Hereditary antithrombin deficiency. Last evaluated: 2022-04-24. Review status: criteria provided, single submitter. Criteria: Invitae Variant Classification Sherloc (09022015). Collection method: clinical testing. Allele origin: germline. Not counted in ClinVar's aggregate classification.
Comment: This sequence change replaces isoleucine, which is neutral and non-polar, with threonine, which is neutral and polar, at codon 386 of the SERPINC1 protein (p.Ile386Thr). In summary, the currently available evidence indicates that the variant is pathogenic, but additional data are needed to prove that conclusively. Therefore, this variant has been classified as Likely Pathogenic. Advanced modeling of protein sequence and biophysical properties (such as structural, functional, and spatial information, amino acid conservation, physicochemical variation, residue mobility, and thermodynamic stability) performed at Invitae indicates that this missense variant is not expected to disrupt SERPINC1 protein function. ClinVar contains an entry for this variant (Variation ID: 863657). This missense change has been observed in individuals with antithrombin III deficiency (PMID: 21264449, 28300866, 28607330, 29153735, 31157679, 33367661). This variant is present in population databases (no rsID available, gnomAD 0.0009%).

Women's Health and Genetics/Laboratory Corporation of America, LabCorp
Classification: Pathogenic for Hereditary antithrombin deficiency. Last evaluated: 2021-08-23. Review status: criteria provided, single submitter. Criteria: LabCorp Variant Classification Summary - May 2015. Collection method: clinical testing. Allele origin: germline. Not counted in ClinVar's aggregate classification.
Comment: Variant summary: SERPINC1 c.1157T>C (p.Ile386Thr) results in a non-conservative amino acid change located in the Serpin domain (IPR023796) of the encoded protein sequence. Five of five in-silico tools predict a damaging effect of the variant on protein function. The variant allele was found at a frequency of 4e-06 in 251466 control chromosomes (gnomAD). c.1157T>C has been reported in the literature in multiple individuals affected with Antithrombin Deficiency (Alhenc-Gelas_2010, Luxembourg_2011, Olivieri_2016, Gindele_2017, Wypasek_2017, Zabczyk_2021). These data indicate that the variant is very likely to be associated with disease. A ClinVar submitter (evaluation after 2014) cites the variant as likely pathogenic. Based on the evidence outlined above, the variant was classified as pathogenic.

Zotz-Klimas Genetics Lab, MVZ Zotz Klimas
Classification: Pathogenic for Hereditary antithrombin deficiency. Last evaluated: 2023-11-24. Review status: no assertion criteria provided. Collection method: clinical testing. Allele origin: germline. Affected: yes. Not counted in ClinVar's aggregate classification.

Literature cited by the submitters: PubMed 21264449 (cited by Labcorp Genetics (formerly Invitae), Labcorp and Women's Health and Genetics/Laboratory Corporation of America, LabCorp); PubMed 28300866 (cited by Labcorp Genetics (formerly Invitae), Labcorp); PubMed 28607330 (cited by Labcorp Genetics (formerly Invitae), Labcorp and Women's Health and Genetics/Laboratory Corporation of America, LabCorp); PubMed 29153735 (cited by Labcorp Genetics (formerly Invitae), Labcorp and Women's Health and Genetics/Laboratory Corporation of America, LabCorp); PubMed 31157679 (cited by Labcorp Genetics (formerly Invitae), Labcorp); PubMed 33367661 (cited by Labcorp Genetics (formerly Invitae), Labcorp and Women's Health and Genetics/Laboratory Corporation of America, LabCorp); PubMed 20088933 (cited by Women's Health and Genetics/Laboratory Corporation of America, LabCorp); PubMed 27283015 (cited by Women's Health and Genetics/Laboratory Corporation of America, LabCorp).